The following is an entry in ClinVar:

ClinVar aggregate classification (germline): Benign/Likely benign. Review status: criteria provided, multiple submitters, no conflicts (2 of 4 stars). 4 submissions from 4 submitters: Benign (2); Likely benign (2). Last evaluated 2026-08-01.

Conditions:
Vertebral, cardiac, renal, and limb defects syndrome 3. Also called: CONGENITAL NAD DEFICIENCY DISORDER 3. Identifiers: MedGen C5394250, MONDO:0030077, OMIM 618845.

Allele frequency attached by ClinVar (database versions not stated): 1000 Genomes Project 30x 0.00172; 1000 Genomes Project 0.00180; TOPMed 0.00440; gnomAD 0.00488 and 0.00500; gnomAD exomes 0.00538; ESP Exome Variant Server 0.00562; ExAC 0.00772.
gnomAD v4.1: 11,109 of 1,610,474 alleles (0.69%); highest among the groups gnomAD compares: Non-Finnish European, 0.79%; 63 homozygotes.

Submissions (4):

CeGaT Center for Human Genetics Tuebingen
Classification: Likely benign. Last evaluated: 2026-08-01. Review status: criteria provided, single submitter. Criteria: CeGaT Center For Human Genetics Tuebingen Variant Classification Criteria Version 2. Collection method: clinical testing. Allele origin: germline. Affected: yes. Observed: 5 variant alleles.
Comment: NADSYN1: BS2

Fulgent Genetics
Classification: Likely benign for Vertebral, cardiac, renal, and limb defects syndrome 3. Last evaluated: 2021-07-23. Review status: criteria provided, single submitter. Criteria: ACMG Guidelines, 2015. Collection method: clinical testing. Allele origin: unknown.

Labcorp Genetics (formerly Invitae), Labcorp
Classification: Benign. Last evaluated: 2017-10-25. Review status: criteria provided, single submitter. Criteria: Invitae Variant Classification Sherloc (09022015). Collection method: clinical testing. Allele origin: germline.

Breakthrough Genomics
Classification: Benign. Review status: criteria provided, single submitter. Criteria: ACMG Guidelines, 2015. Collection method: not provided. Allele origin: germline. Inheritance: Autosomal recessive inheritance. Affected: yes.

NM_018161.5(NADSYN1):c.1138G>A (p.Val380Met)

Gene: NADSYN1 (NAD synthetase 1; plus strand). Cytogenetic location: 11q13.4.
Variant type: single nucleotide variant.
Coding change: c.1138G>A on transcript NM_018161.5 (MANE Select); coding-DNA position 1138, G replaced by A.
Protein change: p.Val380Met; replaces valine 380 with methionine.
Molecular consequence: missense variant.
Genome position (GRCh38, 1-based): chr11:71,482,013, G>A. VCF-style: chr11-71482013-G-A. GRCh37 (hg19) VCF-style: chr11-71193059-G-A.
Other names: short protein forms V380M.
Identifiers: ClinVar variation 710355 (VCV000710355.29), dbSNP rs147585323, ClinGen allele CA6163382.